The following is an entry in ClinVar:

ClinVar aggregate classification (germline): Uncertain significance (1 of 4 stars; one submission).

Conditions:
Hyperkalemic periodic paralysis. Also called: Familial hyperkalemic periodic paralysis; Gamstorp disease. Identifiers: Orphanet 682, MedGen C0238357, MONDO:0008224, OMIM 170500, HP:0007215.

Submission:

Labcorp Genetics (formerly Invitae), Labcorp
Classification: Uncertain significance for Hyperkalemic periodic paralysis. Last evaluated: 2022-08-23. Review status: criteria provided, single submitter. Criteria: Invitae Variant Classification Sherloc (09022015). Collection method: clinical testing. Allele origin: germline.
Comment: This sequence change replaces isoleucine, which is neutral and non-polar, with methionine, which is neutral and non-polar, at codon 439 of the SCN4A protein (p.Ile439Met). This variant is not present in population databases (gnomAD no frequency). This missense change has been observed in individual(s) with autosomal recessive congenital myopathy (Invitae). In at least one individual the data is consistent with being in trans (on the opposite chromosome) from a pathogenic variant. ClinVar contains an entry for this variant (Variation ID: 645344). Algorithms developed to predict the effect of missense changes on protein structure and function are either unavailable or do not agree on the potential impact of this missense change (SIFT: "Deleterious"; PolyPhen-2: "Probably Damaging"; Align-GVGD: "Class C0"). In summary, the available evidence is currently insufficient to determine the role of this variant in disease. Therefore, it has been classified as a Variant of Uncertain Significance.

NM_000334.4(SCN4A):c.1317C>G (p.Ile439Met)

Gene: SCN4A (sodium voltage-gated channel alpha subunit 4; minus strand). Cytogenetic location: 17q23.3.
Variant type: single nucleotide variant.
Coding change: c.1317C>G on transcript NM_000334.4 (MANE Select); coding-DNA position 1317, C replaced by G.
Protein change: p.Ile439Met; replaces isoleucine 439 with methionine.
Molecular consequence: missense variant.
Genome position (GRCh38, 1-based): chr17:63,964,603, G>C on the plus strand (C>G on the coding strand, the complement: SCN4A is on the minus strand). VCF-style: chr17-63964603-G-C. GRCh37 (hg19) VCF-style: chr17-62041963-G-C.
Other names: short protein forms I439M.
Identifiers: ClinVar variation 645344 (VCV000645344.9), dbSNP rs1597982684, ClinGen allele CA400635052.